The following is an entry in ClinVar:

NM_000452.3(SLC10A2):c.49G>A (p.Ala17Thr)

Gene: SLC10A2 (solute carrier family 10 member 2; minus strand). Cytogenetic location: 13q33.1.
Variant type: single nucleotide variant.
Coding change: c.49G>A on transcript NM_000452.3 (MANE Select); coding-DNA position 49, G replaced by A.
Protein change: p.Ala17Thr; replaces alanine 17 with threonine.
Molecular consequence: missense variant.
Genome position (GRCh38, 1-based): chr13:103,066,201, C>T on the plus strand (G>A on the coding strand, the complement: SLC10A2 is on the minus strand). VCF-style: chr13-103066201-C-T. GRCh37 (hg19) VCF-style: chr13-103718551-C-T.
Other names: short protein forms A17T.
Identifiers: ClinVar variation 4991231 (VCV004991231.1).

ClinVar aggregate classification (germline): Uncertain significance (1 of 4 stars; one submission).

Conditions:
SLC10A2-related disorder. Also called: SLC10A2-related condition.

Submission:

PreventionGenetics, part of Exact Sciences
Classification: Uncertain significance for SLC10A2-related condition. Last evaluated: 2026-02-04. Review status: criteria provided, single submitter. Criteria: ACMG Guidelines, 2015. Collection method: clinical testing. Allele origin: germline.
Comment: The SLC10A2 c.49G>A variant is predicted to result in the amino acid substitution p.Ala17Thr. To our knowledge, this variant has not been reported in the literature or in a large population database (gnomAD), indicating this variant is rare. At this time, the clinical significance of this variant is uncertain due to the absence of conclusive functional and genetic evidence.